The following is an entry in ClinVar:

ClinVar aggregate classification (germline): Pathogenic. Review status: criteria provided, multiple submitters, no conflicts (2 of 4 stars). 2 submissions from 2 submitters: Pathogenic (2). Last evaluated 2025-01-10.

Conditions:
Cardiovascular phenotype. Identifiers: MedGen CN230736.
Hereditary cancer-predisposing syndrome. Also called: Hereditary neoplastic syndrome; Neoplastic Syndromes, Hereditary; Hereditary Cancer Syndrome; Tumor predisposition. Identifiers: Orphanet 140162, MedGen C0027672, MeSH D009386, MONDO:0015356.
Neurofibromatosis, type 1 (NF1). Also called: Peripheral type neurofibromatosis; VON RECKLINGHAUSEN DISEASE; Neurofibromatosis, type I; NEUROFIBROMATOSIS, TYPE I, SOMATIC. Identifiers: Orphanet 636, MedGen C0027831, MONDO:0018975, OMIM 162200. Disease mechanism: loss of function.

Submissions (2):

Ambry Genetics
Classification: Pathogenic for Cardiovascular phenotype; Hereditary cancer-predisposing syndrome. Last evaluated: 2025-01-10. Review status: criteria provided, single submitter. Criteria: Ambry Variant Classification Scheme 2023. Collection method: clinical testing. Allele origin: germline.
Comment: The c.4199delC pathogenic mutation, located in coding exon 31 of the NF1 gene, results from a deletion of one nucleotide at nucleotide position 4199, causing a translational frameshift with a predicted alternate stop codon (p.P1400Rfs*7). This alteration is expected to result in loss of function by premature protein truncation or nonsense-mediated mRNA decay. As such, this alteration is interpreted as a disease-causing mutation.

Labcorp Genetics (formerly Invitae), Labcorp
Classification: Pathogenic for Neurofibromatosis, type 1. Last evaluated: 2020-04-14. Review status: criteria provided, single submitter. Criteria: Invitae Variant Classification Sherloc (09022015). Collection method: clinical testing. Allele origin: germline.
Comment: This sequence change creates a premature translational stop signal (p.Pro1400Argfs*7) in the NF1 gene. It is expected to result in an absent or disrupted protein product. This variant is not present in population databases (ExAC no frequency). This variant has not been reported in the literature in individuals with NF1-related conditions. ClinVar contains an entry for this variant (Variation ID: 571036). Algorithms developed to predict the effect of sequence changes on RNA splicing suggest that this variant may create or strengthen a splice site, but this prediction has not been confirmed by published transcriptional studies. Loss-of-function variants in NF1 are known to be pathogenic (PMID: 10712197, 23913538). For these reasons, this variant has been classified as Pathogenic.

Literature cited by the submitters: PubMed 10712197 (cited by Labcorp Genetics (formerly Invitae), Labcorp); PubMed 23913538 (cited by Labcorp Genetics (formerly Invitae), Labcorp).

NM_001042492.3(NF1):c.4262del (p.Pro1421fs)

Gene: NF1 (neurofibromin 1; plus strand). Cytogenetic location: 17q11.2.
Variant type: Deletion.
Coding change: c.4262del on transcript NM_001042492.3 (MANE Select); coding-DNA position 4262, one base deleted (C; older notation c.4262delC).
Protein change: p.Pro1421fs; shifts the reading frame from proline 1421.
Molecular consequence: frameshift variant.
Genome position (GRCh38, 1-based): chr17:31,258,432, C deleted; the last of 2 consecutive C bases (chr17:31,258,431-31,258,432); deleting either gives the same sequence. VCF-style (leftmost placement, unchanged base first): chr17-31258430-AC-A. GRCh37 (hg19) VCF-style: chr17-29585448-AC-A.
Other names: c.4199delC, p.Pro1400Argfs (NM_000267.4); c.4199delC (NM_000267.3); short protein forms P1400fs, P1421fs.
Identifiers: ClinVar variation 571036 (VCV000571036.6), dbSNP rs1567861977, ClinGen allele CA891843823.